The following is an entry in ClinVar:

ClinVar aggregate classification (germline): Uncertain significance. Review status: criteria provided, multiple submitters, no conflicts (2 of 4 stars). 2 submissions from 2 submitters: Uncertain significance (2). Last evaluated 2026-05-06.

Conditions:
SLCO1B3-related disorder. Also called: SLCO1B3-related condition.
Rotor syndrome (HBLRR). Also called: HYPERBILIRUBINEMIA, ROTOR TYPE, DIGENIC; HYPERBILIRUBINEMIA, ROTOR TYPE. Identifiers: Orphanet 3111, MedGen C0220991, MONDO:0009379, OMIM 237450.

Allele frequency attached by ClinVar (database versions not stated): TOPMed 0.00002.
gnomAD v4.1: 79 of 1,612,828 alleles (0.0049%); highest among the groups gnomAD compares: South Asian, 0.012%; no homozygotes.

Submissions (2):

PreventionGenetics, part of Exact Sciences
Classification: Uncertain significance for SLCO1B3-related condition. Last evaluated: 2026-05-06. Review status: criteria provided, single submitter. Criteria: ACMG Guidelines, 2015. Collection method: clinical testing. Allele origin: germline.
Comment: The SLCO1B3 c.758G>A variant is predicted to result in the amino acid substitution p.Arg253His. To our knowledge, this variant has not been reported in the literature. This variant is reported in 0.0099% of alleles in individuals of South Asian descent in gnomAD. At this time, the clinical significance of this variant is uncertain due to the absence of conclusive functional and genetic evidence.

Illumina Laboratory Services, Illumina
Classification: Uncertain significance for Rotor syndrome. Last evaluated: 2018-01-13. Review status: criteria provided, single submitter. Criteria: ICSL Variant Classification Criteria 13 December 2019. Collection method: clinical testing. Allele origin: germline.

NM_019844.4(SLCO1B3):c.758G>A (p.Arg253His)

Genes: SLCO1B3 (solute carrier organic anion transporter family member 1B3; plus strand), SLCO1B3-SLCO1B7 (SLCO1B3-SLCO1B7 readthrough; plus strand). Cytogenetic location: 12p12.2.
Variant type: single nucleotide variant.
Coding change: c.758G>A on transcript NM_019844.4 (MANE Select); coding-DNA position 758, G replaced by A.
Protein change: p.Arg253His; replaces arginine 253 with histidine.
Molecular consequence: missense variant.
Genome position (GRCh38, 1-based): chr12:20,875,265, G>A. VCF-style: chr12-20875265-G-A. GRCh37 (hg19) VCF-style: chr12-21028199-G-A.
Other names: c.758G>A, p.Arg253His (NM_001371097.1); c.674G>A, p.Arg225His (NM_001349920.2); short protein forms R225H, R253H.
Identifiers: ClinVar variation 882988 (VCV000882988.5), dbSNP rs745538500, ClinGen allele CA6475340.